The following is an entry in ClinVar:

ClinVar aggregate classification (germline): Conflicting classifications of pathogenicity. Review status: criteria provided, conflicting classifications (1 of 4 stars). 3 submissions from 3 submitters: Uncertain significance (2); Likely benign (1). Last evaluated 2025-10-03.

Conditions:
Inborn genetic diseases. Identifiers: MedGen C0950123, MeSH D030342.

Allele frequency attached by ClinVar (database versions not stated): TOPMed below 0.00001; gnomAD 0.00001; gnomAD exomes 0.00006; ExAC 0.00011; 1000 Genomes Project 30x 0.00031; 1000 Genomes Project 0.00040.
gnomAD v4.1: 86 of 1,613,782 alleles (0.0053%); highest among the groups gnomAD compares: South Asian, 0.055%; no homozygotes.

Submissions (3):

Labcorp Genetics (formerly Invitae), Labcorp
Classification: Uncertain significance. Last evaluated: 2025-10-03. Review status: criteria provided, single submitter. Criteria: Invitae Variant Classification Sherloc (09022015). Collection method: clinical testing. Allele origin: germline.
Comment: This sequence change replaces arginine, which is basic and polar, with glutamine, which is neutral and polar, at codon 1411 of the SAMD9L protein (p.Arg1411Gln). This variant is present in population databases (rs186057217, gnomAD 0.06%), and has an allele count higher than expected for a pathogenic variant. This variant has not been reported in the literature in individuals affected with SAMD9L-related conditions. ClinVar contains an entry for this variant (Variation ID: 1929191). Invitae Evidence Modeling of protein sequence and biophysical properties (such as structural, functional, and spatial information, amino acid conservation, physicochemical variation, residue mobility, and thermodynamic stability) indicates that this missense variant is not expected to disrupt SAMD9L protein function with a negative predictive value of 80%. In summary, the available evidence is currently insufficient to determine the role of this variant in disease. Therefore, it has been classified as a Variant of Uncertain Significance.

Ambry Genetics
Classification: Likely benign for Inborn genetic diseases. Last evaluated: 2025-08-09. Review status: criteria provided, single submitter. Criteria: Ambry Variant Classification Scheme 2023. Collection method: clinical testing. Allele origin: germline.

GeneDx
Classification: Uncertain significance. Last evaluated: 2023-07-03. Review status: criteria provided, single submitter. Criteria: GeneDx Variant Classification Process June 2021. Collection method: clinical testing. Allele origin: germline. Affected: yes.
Comment: In silico analysis supports that this missense variant does not alter protein structure/function; Has not been previously published as pathogenic or benign to our knowledge

NM_152703.5(SAMD9L):c.4232G>A (p.Arg1411Gln)

Gene: SAMD9L (sterile alpha motif domain containing 9 like; minus strand). Cytogenetic location: 7q21.2.
Variant type: single nucleotide variant.
Coding change: c.4232G>A on transcript NM_152703.5 (MANE Select); coding-DNA position 4232, G replaced by A.
Protein change: p.Arg1411Gln; replaces arginine 1411 with glutamine.
Molecular consequence: missense variant.
Genome position (GRCh38, 1-based): chr7:93,131,740, C>T on the plus strand (G>A on the coding strand, the complement: SAMD9L is on the minus strand). VCF-style: chr7-93131740-C-T. GRCh37 (hg19) VCF-style: chr7-92761053-C-T.
Other names: c.4232G>A, p.Arg1411Gln (NM_001303496.3, NM_001303497.3, NM_001303498.3 and 5 more transcripts); c.4232G>A (NM_152703.3, NM_152703.2); short protein forms R1411Q.
Identifiers: ClinVar variation 1929191 (VCV001929191.8), dbSNP rs186057217, ClinGen allele CA4343334.